The following is an entry in ClinVar:

NM_053025.4(MYLK):c.2038C>T (p.Leu680Phe)

Gene: MYLK (myosin light chain kinase; minus strand). Cytogenetic location: 3q21.1.
Variant type: single nucleotide variant.
Coding change: c.2038C>T on transcript NM_053025.4 (MANE Select); coding-DNA position 2038, C replaced by T.
Protein change: p.Leu680Phe; replaces leucine 680 with phenylalanine.
Molecular consequence: missense variant.
Genome position (GRCh38, 1-based): chr3:123,708,800, G>A on the plus strand (C>T on the coding strand, the complement: MYLK is on the minus strand). VCF-style: chr3-123708800-G-A. GRCh37 (hg19) VCF-style: chr3-123427647-G-A.
Other names: c.1510C>T, p.Leu504Phe (NM_001321309.2); c.1831C>T, p.Leu611Phe (NM_053026.4, NM_053028.4); c.2038C>T, p.Leu680Phe (NM_053027.4); short protein forms L504F, L611F, L680F.
Identifiers: ClinVar variation 5025205 (VCV005025205.1).

ClinVar aggregate classification (germline): Uncertain significance (1 of 4 stars; one submission).

Conditions:
Familial thoracic aortic aneurysm and aortic dissection (TAAD). Also called: Thoracic aortic aneurysms and dissections. Identifiers: Orphanet 91387, MedGen C4707243, MONDO:0019625.

gnomAD v4.1: 6 of 1,614,070 alleles (0.00037%); highest among the groups gnomAD compares: African/African-American, 0.004%; no homozygotes.

Submission:

Ambry Genetics
Classification: Uncertain significance for Familial thoracic aortic aneurysm and aortic dissection. Last evaluated: 2026-07-24. Review status: criteria provided, single submitter. Criteria: Ambry Variant Classification Scheme 2023. Collection method: clinical testing. Allele origin: germline.
Comment: The p.L680F variant (also known as c.2038C>T), located in coding exon 12 of the MYLK gene, results from a C to T substitution at nucleotide position 2038. The leucine at codon 680 is replaced by phenylalanine, an amino acid with highly similar properties. This amino acid position is conserved. In addition, this alteration is predicted to be deleterious by in silico analysis. Based on the available evidence, the clinical significance of this variant remains unclear.